The following is an entry in ClinVar:

NM_000257.4(MYH7):c.2384T>A (p.Val795Glu)

Genes: MYH7 (myosin heavy chain 7; minus strand), LOC126861898 (BRD4-independent group 4 enhancer GRCh37_chr14:23893609-23894808; plus strand). Cytogenetic location: 14q11.2.
Variant type: single nucleotide variant.
Coding change: c.2384T>A on transcript NM_000257.4 (MANE Select); coding-DNA position 2384, T replaced by A.
Protein change: p.Val795Glu; replaces valine 795 with glutamic acid.
Molecular consequence: missense variant.
Genome position (GRCh38, 1-based): chr14:23,425,321, A>T on the plus strand (T>A on the coding strand, the complement: MYH7 is on the minus strand). VCF-style: chr14-23425321-A-T. GRCh37 (hg19) VCF-style: chr14-23894530-A-T.
Other names: c.2384T>A, p.Val795Glu (NM_001407004.1); short protein forms V795E.
Identifiers: ClinVar variation 3072860 (VCV003072860.1), dbSNP rs2502285757, ClinGen allele CA389048530.

ClinVar aggregate classification (germline): Uncertain significance (1 of 4 stars; one submission).

Conditions:
Cardiomyopathy (CMYO). Also called: Cardiomyopathies. Identifiers: Orphanet 167848, MedGen C0878544, MONDO:0004994, HP:0001638. Inheritance: Various modes of inheritance.

Allele frequency attached by ClinVar (database versions not stated): gnomAD exomes below 0.00001.
gnomAD v4.1: 1 of 1,614,098 alleles (0.000062%); highest among the groups gnomAD compares: Non-Finnish European, 0.000085%; no homozygotes.

Submission:

All of Us Research Program, National Institutes of Health
Classification: Uncertain significance for Cardiomyopathy. Last evaluated: 2023-08-15. Review status: criteria provided, single submitter. Criteria: ACMG Guidelines, 2015. Collection method: clinical testing. Allele origin: germline. Inheritance: Autosomal dominant inheritance. Observed: 1 variant allele, 1 heterozygote.
Comment: This missense variant replaces valine with glutamic acid at codon 795 of the MYH7 protein. Computational prediction is inconclusive regarding the impact of this variant on protein structure and function (internally defined REVEL score threshold 0.5 < inconclusive < 0.7, PMID: 27666373). To our knowledge, functional studies have not been reported for this variant. This variant has not been reported in individuals affected with MYH7-related disorders in the literature. This variant has not been identified in the general population by the Genome Aggregation Database (gnomAD). The available evidence is insufficient to determine the role of this variant in disease conclusively. Therefore, this variant is classified as a Variant of Uncertain Significance.

This study involves interpretation of variants in research participants for the purpose of population health screening. Participant phenotype was not available at the time of variant classification. Additional details can be found in publication PMID: 35346344, PMCID: PMC8962531